The following is an entry in ClinVar:

ClinVar aggregate classification (germline): Likely pathogenic (1 of 4 stars; one submission).

Conditions:
Dilated cardiomyopathy 1G (CMD1G). Identifiers: Orphanet 154, MedGen C1858763, MONDO:0011400, OMIM 604145.
Autosomal recessive limb-girdle muscular dystrophy type 2J (LGMDR10). Also called: MUSCULAR DYSTROPHY, LIMB-GIRDLE, AUTOSOMAL RECESSIVE 10; Limb-girdle muscular dystrophy, type 2J. Identifiers: Orphanet 140922, MedGen C1837342, MONDO:0012127, OMIM 608807.

Submission:

Labcorp Genetics (formerly Invitae), Labcorp
Classification: Likely pathogenic for Dilated cardiomyopathy 1G; Autosomal recessive limb-girdle muscular dystrophy type 2J. Last evaluated: 2023-11-11. Review status: criteria provided, single submitter. Criteria: Invitae Variant Classification Sherloc (09022015). Collection method: clinical testing. Allele origin: germline.
Comment: This sequence change creates a premature translational stop signal (p.Val21859Serfs*5) in the TTN gene. While this is not anticipated to result in nonsense mediated decay, it is expected to create a truncated TTN protein. This variant is not present in population databases (gnomAD no frequency). This variant has not been reported in the literature in individuals affected with TTN-related conditions. This variant is also known as c.65575+1del. ClinVar contains an entry for this variant (Variation ID: 1506848). Algorithms developed to predict the effect of sequence changes on RNA splicing suggest that this variant may disrupt the consensus splice site. This variant is located in the A band of TTN (PMID: 25589632). Truncating variants in this region are significantly overrepresented in patients affected with dilated cardiomyopathy (PMID: 25589632). Truncating variants in this region have also been reported in individuals affected with autosomal recessive centronuclear myopathy (PMID: 23975875). In summary, the currently available evidence indicates that the variant is pathogenic, but additional data are needed to prove that conclusively. Therefore, this variant has been classified as Likely Pathogenic.

Literature cited by the submitters: PubMed 25589632; PubMed 23975875.

NM_001267550.2(TTN):c.65575+1del

Genes: TTN (titin; minus strand), TTN-AS1 (TTN antisense RNA 1; plus strand). Cytogenetic location: 2q31.2.
Variant type: Deletion.
Coding change: c.65575+1del on transcript NM_001267550.2 (MANE Select); the canonical splice donor site of the intron after coding-DNA position 65575, one base deleted (G; older notation c.65575+1delG).
Molecular consequence: splice donor variant. On other transcripts: non-coding transcript variant (1).
Genome position (GRCh38, 1-based): chr2:178,583,606, C deleted on the plus strand (G on the coding strand, the reverse complement: TTN is on the minus strand); the first of 2 consecutive C bases (chr2:178,583,606-178,583,607); deleting either gives the same sequence. VCF-style (leftmost placement, unchanged base first): chr2-178583605-AC-A. GRCh37 (hg19) VCF-style: chr2-179448332-AC-A.
Other names: c.38380+1del (NM_003319.4); c.38956+1del (NM_133437.4); c.38755+1del (NM_133432.3); c.57871+1del (NM_133378.4); c.60652+1del (NM_001256850.1).
Identifiers: ClinVar variation 1506848 (VCV001506848.8), dbSNP rs2154179114, ClinGen allele CA2573134180.